The following is an entry in ClinVar:

NM_006736.6(DNAJB2):c.230-10G>A

Gene: DNAJB2 (DnaJ heat shock protein family (Hsp40) member B2; plus strand). Cytogenetic location: 2q35.
Variant type: single nucleotide variant.
Coding change: c.230-10G>A on transcript NM_006736.6 (MANE Select); 10 bases into the intron before coding-DNA position 230, G replaced by A.
Molecular consequence: intron variant.
Genome position (GRCh38, 1-based): chr2:219,281,929, G>A. VCF-style: chr2-219281929-G-A. GRCh37 (hg19) VCF-style: chr2-220146651-G-A.
Other names: p.?; c.230-10G>A (NM_001039550.2).
Identifiers: ClinVar variation 137119 (VCV000137119.16), dbSNP rs3731897, ClinGen allele CA290641.
Genomic context (GRCh38, chr2:219,281,929, plus strand): 5'-GCCTTAGGTGAGGTCCCCCGCTCAGGGCAGGATGCATGCCCTAAGCTCTCTCCTCATCCT[G>A]CCTTTCCAGGAACTGGCCCATCTCGGGCAGAAGCTGGCAGTGGTGGGCCTGGCTTCACCT-3'

ClinVar aggregate classification (germline): Benign. Review status: criteria provided, multiple submitters, no conflicts (2 of 4 stars). 6 submissions from 6 submitters: Benign (6). Last evaluated 2026-02-03.

Conditions:
Charcot-Marie-Tooth disease. Also called: Charcot-Marie-Tooth Neuropathy; Charcot-Marie-Tooth Hereditary Neuropathy. Identifiers: Orphanet 166, MedGen C0007959, MONDO:0015626.
Neuronopathy, distal hereditary motor, autosomal recessive 5. Also called: Young adult-onset distal hereditary motor neuropathy; NEUROPATHY, DISTAL HEREDITARY MOTOR, AUTOSOMAL RECESSIVE 5; Spinal muscular atrophy, distal, autosomal recessive, 5. Identifiers: Orphanet 314485, Orphanet 443950, MedGen C4749918, MONDO:0013947, OMIM 614881.

Allele frequency attached by ClinVar (database versions not stated): gnomAD 0.16060; TOPMed 0.17115; ExAC 0.14963; gnomAD exomes 0.16129 and 0.14781; ESP Exome Variant Server 0.17177; 1000 Genomes Project 0.15535; 1000 Genomes Project 30x 0.15787.
gnomAD v4.1: 261,227 of 1,613,740 alleles (16%); highest among the groups gnomAD compares: Middle Eastern, 27%; 22,708 homozygotes.

Submissions (6):

Labcorp Genetics (formerly Invitae), Labcorp
Classification: Benign for Neuronopathy, distal hereditary motor, autosomal recessive 5. Last evaluated: 2026-02-03. Review status: criteria provided, single submitter. Criteria: Invitae Variant Classification Sherloc (09022015). Collection method: clinical testing. Allele origin: germline.

Genome-Nilou Lab
Classification: Benign for Neuronopathy, distal hereditary motor, autosomal recessive 5. Last evaluated: 2021-07-30. Review status: criteria provided, single submitter. Criteria: ACMG Guidelines, 2015. Collection method: clinical testing. Allele origin: germline. Affected: no.

Mayo Clinic Laboratories, Mayo Clinic
Classification: Benign. Last evaluated: 2016-04-12. Review status: criteria provided, single submitter. Criteria: ACMG Guidelines, 2015. Collection method: clinical testing. Allele origin: germline. Observed: 632 variant alleles.

GeneDx
Classification: Benign. Last evaluated: 2014-04-01. Review status: criteria provided, single submitter. Criteria: GeneDx Variant Classification (06012015). Collection method: clinical testing. Allele origin: germline. Affected: yes.
Comment: This variant is considered likely benign or benign based on one or more of the following criteria: it is a conservative change, it occurs at a poorly conserved position in the protein, it is predicted to be benign by multiple in silico algorithms, and/or has population frequency not consistent with disease.

Breakthrough Genomics
Classification: Benign. Review status: criteria provided, single submitter. Criteria: ACMG Guidelines, 2015. Collection method: not provided. Allele origin: germline. Inheritance: Autosomal recessive inheritance. Affected: yes.

Molecular Genetics Laboratory, London Health Sciences Centre
Classification: Benign for Charcot-Marie-Tooth disease. Review status: criteria provided, single submitter. Criteria: ACMG Guidelines, 2015. Collection method: clinical testing. Allele origin: germline. Affected: yes.